The following is an entry in ClinVar:

NM_014363.6(SACS):c.12954G>A (p.Trp4318Ter)

Gene: SACS (sacsin molecular chaperone; minus strand). Cytogenetic location: 13q12.12.
Variant type: single nucleotide variant.
Coding change: c.12954G>A on transcript NM_014363.6 (MANE Select); coding-DNA position 12954, G replaced by A.
Protein change: p.Trp4318Ter; replaces tryptophan 4318 with a stop codon.
Molecular consequence: nonsense.
Genome position (GRCh38, 1-based): chr13:23,330,922, C>T on the plus strand (G>A on the coding strand, the complement: SACS is on the minus strand). VCF-style: chr13-23330922-C-T. GRCh37 (hg19) VCF-style: chr13-23905061-C-T.
Other names: c.12513G>A, p.Trp4171Ter (NM_001278055.2); short protein forms W4171*, W4318*.
Identifiers: ClinVar variation 1390588 (VCV001390588.8), dbSNP rs2137553245, ClinGen allele CA387506333.

ClinVar aggregate classification (germline): Pathogenic (1 of 4 stars; one submission).

Conditions:
Spastic paraplegia. Identifiers: MedGen C0037772, HP:0001258.

Submission:

Labcorp Genetics (formerly Invitae), Labcorp
Classification: Pathogenic for Spastic paraplegia. Last evaluated: 2021-06-16. Review status: criteria provided, single submitter. Criteria: Invitae Variant Classification Sherloc (09022015). Collection method: clinical testing. Allele origin: germline.
Comment: This sequence change creates a premature translational stop signal (p.Trp4318*) in the SACS gene. While this is not anticipated to result in nonsense mediated decay, it is expected to disrupt the last 262 amino acid(s) of the SACS protein. For these reasons, this variant has been classified as Pathogenic. This variant disrupts the C-terminus of the SACS protein. Other variant(s) that disrupt this region (p.Tyr4538*) have been determined to be pathogenic (Invitae). This suggests that variants that disrupt this region of the protein are likely to be causative of disease. This variant has not been reported in the literature in individuals with SACS-related conditions. This variant is not present in population databases (ExAC no frequency).